The following is an entry in ClinVar:

NM_000282.4(PCCA):c.16del (p.Val6fs)

Gene: PCCA (propionyl-CoA carboxylase subunit alpha; plus strand). Cytogenetic location: 13q32.3.
Variant type: Deletion.
Coding change: c.16del on transcript NM_000282.4 (MANE Select); coding-DNA position 16, one base deleted (G; older notation c.16delG).
Protein change: p.Val6fs; shifts the reading frame from valine 6.
Molecular consequence: frameshift variant. On other transcripts: 5 prime UTR variant (3), non-coding transcript variant (5).
Genome position (GRCh38, 1-based): chr13:100,089,136, G deleted; the last of 3 consecutive G bases (chr13:100,089,134-100,089,136); deleting any one gives the same sequence. VCF-style (leftmost placement, unchanged base first): chr13-100089133-TG-T. GRCh37 (hg19) VCF-style: chr13-100741387-TG-T.
Other names: c.16del, p.Val6fs (NM_001127692.3, NM_001178004.2, NM_001352605.2 and 4 more transcripts); c.-851del (NM_001352610.2, NM_001352611.2, NM_001352612.2); short protein forms V6fs.
Identifiers: ClinVar variation 2963907 (VCV002963907.4), dbSNP rs2541949935, ClinGen allele CA2623554778.
Genomic context (GRCh38, chr13:100,089,133, plus strand): 5'-CTCCGGCTGTGTGAGAGGTCAGCAGAGGGGCGGTCTGCGGGGACAACAATGGCGGGGTTC[TG>T]GGTCGGGACAGCACCGCTGGTCGCTGCCGGACGGCGTGGGCGGTGGCCGCCGCAGCAGCT-3'

ClinVar aggregate classification (germline): Pathogenic/Likely pathogenic. Review status: criteria provided, multiple submitters, no conflicts (2 of 4 stars). 2 submissions from 2 submitters: Pathogenic (1); Likely pathogenic (1). Last evaluated 2024-04-06.

Conditions:
Propionic acidemia (PROP). Also called: GLYCINEMIA, KETOTIC; HYPERGLYCINEMIA WITH KETOACIDOSIS AND LEUKOPENIA; KETOTIC HYPERGLYCINEMIA. Identifiers: Orphanet 35, MedGen C0268579, MONDO:0011628, OMIM 606054, HP:0003571.

Submissions (2):

Fulgent Genetics
Classification: Likely pathogenic for Propionic acidemia. Last evaluated: 2024-04-06. Review status: criteria provided, single submitter. Criteria: ACMG Guidelines, 2015. Collection method: clinical testing. Allele origin: germline.

Labcorp Genetics (formerly Invitae), Labcorp
Classification: Pathogenic for Propionic acidemia. Last evaluated: 2023-11-25. Review status: criteria provided, single submitter. Criteria: Invitae Variant Classification Sherloc (09022015). Collection method: clinical testing. Allele origin: germline.
Comment: This sequence change creates a premature translational stop signal (p.Val6Serfs*20) in the PCCA gene. It is expected to result in an absent or disrupted protein product. Loss-of-function variants in PCCA are known to be pathogenic (PMID: 15464417). This variant is not present in population databases (gnomAD no frequency). This variant has not been reported in the literature in individuals affected with PCCA-related conditions. For these reasons, this variant has been classified as Pathogenic.

Literature cited by the submitters: PubMed 15464417 (cited by Labcorp Genetics (formerly Invitae), Labcorp).